The following is an entry in ClinVar:

NM_001199862.2(KCNAB2):c.552C>T (p.Tyr184=)

Gene: KCNAB2 (potassium voltage-gated channel subfamily A regulatory beta subunit 2; plus strand). Cytogenetic location: 1p36.31.
Variant type: single nucleotide variant.
Coding change: c.552C>T on transcript NM_001199862.2 (MANE Select); coding-DNA position 552, C replaced by T.
Protein change: p.Tyr184=; no amino-acid change (tyrosine 184 retained).
Molecular consequence: synonymous variant.
Genome position (GRCh38, 1-based): chr1:6,090,426, C>T. VCF-style: chr1-6090426-C-T. GRCh37 (hg19) VCF-style: chr1-6150486-C-T.
Other names: c.453C>T, p.Tyr151= (NM_001199860.2, NM_001199861.2, NM_003636.4); c.252C>T, p.Tyr84= (NM_001199863.2); c.411C>T, p.Tyr137= (NM_172130.3).
Identifiers: ClinVar variation 742028 (VCV000742028.28), dbSNP rs150749829, ClinGen allele CA555288.

ClinVar aggregate classification (germline): Likely benign. Review status: criteria provided, multiple submitters, no conflicts (2 of 4 stars). 4 submissions from 4 submitters: Likely benign (3). 1 of the submissions does not count toward it. Last evaluated 2024-03-01.

Conditions:
KCNAB2-related disorder. Also called: KCNAB2-related condition.

Allele frequency attached by ClinVar (database versions not stated): ExAC 0.00003; gnomAD exomes 0.00003 and 0.00007; gnomAD 0.00004 and 0.00005; ESP Exome Variant Server 0.00008; TOPMed 0.00008.
gnomAD v4.1: 56 of 1,613,798 alleles (0.0035%); highest among the groups gnomAD compares: Middle Eastern, 0.12%; no homozygotes.

Submissions (4):

CeGaT Center for Human Genetics Tuebingen
Classification: Likely benign. Last evaluated: 2024-03-01. Review status: criteria provided, single submitter. Criteria: CeGaT Center For Human Genetics Tuebingen Variant Classification Criteria Version 2. Collection method: clinical testing. Allele origin: germline. Affected: yes. Observed: 2 variant alleles.
Comment: KCNAB2: BP4, BP7

Labcorp Genetics (formerly Invitae), Labcorp
Classification: Likely benign. Last evaluated: 2019-12-31. Review status: criteria provided, single submitter. Criteria: Invitae Variant Classification Sherloc (09022015). Collection method: clinical testing. Allele origin: germline.

Breakthrough Genomics
Classification: Likely benign. Review status: criteria provided, single submitter. Criteria: ACMG Guidelines, 2015. Collection method: not provided. Allele origin: germline. Inheritance: Unknown mechanism. Affected: yes.

PreventionGenetics, part of Exact Sciences
Classification: Likely benign for KCNAB2-related condition. Last evaluated: 2019-05-22. Review status: no assertion criteria provided. Collection method: clinical testing. Allele origin: germline. Not counted in ClinVar's aggregate classification.
Comment: This variant is classified as likely benign based on ACMG/AMP sequence variant interpretation guidelines (Richards et al. 2015 PMID: 25741868, with internal and published modifications).